The following is an entry in ClinVar:

ClinVar aggregate classification (germline): Uncertain significance. Review status: criteria provided, multiple submitters, no conflicts (2 of 4 stars). 2 submissions from 2 submitters: Uncertain significance (2). Last evaluated 2026-03-31.

Conditions:
Ehlers-Danlos syndrome, musculocontractural type (EDSMC). Also called: Adducted thumb, clubfoot, progressive joint and skin laxity syndrome; ARTHROGRYPOSIS, DISTAL, WITH PECULIAR FACIES AND HYDRONEPHROSIS; ADDUCTED THUMB-CLUBFOOT SYNDROME; DUNDAR SYNDROME. Identifiers: Orphanet 2953, MedGen C1866294, MONDO:0011142.

Allele frequency attached by ClinVar (database versions not stated): TOPMed below 0.00001.

Submissions (2):

GeneDx
Classification: Uncertain significance. Last evaluated: 2026-03-31. Review status: criteria provided, single submitter. Criteria: GeneDx Variant Classification Process June 2021. Collection method: clinical testing. Allele origin: germline.
Comment: Not observed at significant frequency in large population cohorts (gnomAD); In silico analysis suggests that this missense variant does not alter protein structure/function; Has not been previously published as pathogenic or benign to our knowledge

Labcorp Genetics (formerly Invitae), Labcorp
Classification: Uncertain significance for Ehlers-Danlos syndrome, musculocontractural type. Last evaluated: 2021-08-14. Review status: criteria provided, single submitter. Criteria: Invitae Variant Classification Sherloc (09022015). Collection method: clinical testing. Allele origin: germline.

NM_130468.4(CHST14):c.245C>G (p.Ala82Gly)

Gene: CHST14 (carbohydrate sulfotransferase 14; plus strand). Cytogenetic location: 15q15.1.
Variant type: single nucleotide variant.
Coding change: c.245C>G on transcript NM_130468.4 (MANE Select); coding-DNA position 245, C replaced by G.
Protein change: p.Ala82Gly; replaces alanine 82 with glycine.
Molecular consequence: missense variant.
Genome position (GRCh38, 1-based): chr15:40,471,458, C>G. VCF-style: chr15-40471458-C-G. GRCh37 (hg19) VCF-style: chr15-40763657-C-G.
Other names: c.245C>G (NM_130468.3); short protein forms A82G.
Identifiers: ClinVar variation 1493165 (VCV001493165.4), dbSNP rs1475453618, ClinGen allele CA391764559.